The following is an entry in ClinVar:

ClinVar aggregate classification (germline): Likely benign (1 of 4 stars; one submission).

gnomAD v4.1: 49 of 1,572,064 alleles (0.0031%); highest among the groups gnomAD compares: Non-Finnish European, 0.0034%; no homozygotes.

Submission:

CeGaT Center for Human Genetics Tuebingen
Classification: Likely benign. Last evaluated: 2025-10-01. Review status: criteria provided, single submitter. Criteria: CeGaT Center For Human Genetics Tuebingen Variant Classification Criteria Version 2. Collection method: clinical testing. Allele origin: germline. Affected: yes. Observed: 1 variant allele.
Comment: INTS11: BP4, BP7

NM_017871.6(INTS11):c.1449G>C (p.Leu483=)

Gene: INTS11 (integrator complex subunit 11; minus strand). Cytogenetic location: 1p36.33.
Variant type: single nucleotide variant.
Coding change: c.1449G>C on transcript NM_017871.6 (MANE Select); coding-DNA position 1449, G replaced by C.
Protein change: p.Leu483=; no amino-acid change (leucine 483 retained).
Molecular consequence: synonymous variant.
Genome position (GRCh38, 1-based): chr1:1,312,455, C>G on the plus strand (G>C on the coding strand, the complement: INTS11 is on the minus strand). VCF-style: chr1-1312455-C-G. GRCh37 (hg19) VCF-style: chr1-1247835-C-G.
Other names: c.1467G>C, p.Leu489= (NM_001256456.2); c.1362G>C, p.Leu454= (NM_001256460.2); c.1155G>C, p.Leu385= (NM_001256462.2); c.1146G>C, p.Leu382= (NM_001256463.2).
Identifiers: ClinVar variation 4533836 (VCV004533836.6).
Genomic context (GRCh38, chr1:1,312,455, plus strand): 5'-CGCAGCAGCGGCCCTCCCCCCTCCAGAGACCGTCCTGGCACTCACGCTGTCCTTCATGAT[C>G]AGGGTGCCGTGCAGGAGCCGAGGCTTCTTGGCCTCAGGGAGCAGCCCTGCGGAGGAGGTG-3'
Protein context (NP_060341.2, residues 473-493): AKKPRLLHGT[Leu483=]IMKDSNFRLV